The following is an entry in ClinVar:

NM_004304.5(ALK):c.4568C>T (p.Ala1523Val)

Gene: ALK (ALK receptor tyrosine kinase; minus strand). Cytogenetic location: 2p23.2.
Variant type: single nucleotide variant.
Coding change: c.4568C>T on transcript NM_004304.5 (MANE Select); coding-DNA position 4568, C replaced by T.
Protein change: p.Ala1523Val; replaces alanine 1523 with valine.
Molecular consequence: missense variant.
Genome position (GRCh38, 1-based): chr2:29,193,519, G>A on the plus strand (C>T on the coding strand, the complement: ALK is on the minus strand). VCF-style: chr2-29193519-G-A. GRCh37 (hg19) VCF-style: chr2-29416385-G-A.
Other names: c.1364C>T, p.Ala455Val (NM_001353765.2); c.4568C>T (NM_004304.4); short protein forms A1523V, A455V.
Identifiers: ClinVar variation 2839644 (VCV002839644.5), dbSNP rs1668935475, ClinGen allele CA346460740.

ClinVar aggregate classification (germline): Uncertain significance. Review status: criteria provided, multiple submitters, no conflicts (2 of 4 stars). 3 submissions from 3 submitters: Uncertain significance (3). Last evaluated 2026-01-19.

Conditions:
Neuroblastoma, susceptibility to, 3. Also called: ALK-Related Neuroblastic Tumor Susceptibility. Identifiers: Orphanet 635, MedGen C2751681, MONDO:0013083, OMIM 613014.
Hereditary cancer-predisposing syndrome. Also called: Tumor predisposition; Neoplastic Syndromes, Hereditary; Hereditary Cancer Syndrome; Hereditary neoplastic syndrome. Identifiers: Orphanet 140162, MedGen C0027672, MeSH D009386, MONDO:0015356.

Allele frequency attached by ClinVar (database versions not stated): TOPMed below 0.00001.

Submissions (3):

Ambry Genetics
Classification: Uncertain significance for Hereditary cancer-predisposing syndrome. Last evaluated: 2026-01-19. Review status: criteria provided, single submitter. Criteria: Ambry Variant Classification Scheme 2023. Collection method: clinical testing. Allele origin: germline.
Comment: The p.A1523V variant (also known as c.4568C>T), located in coding exon 29 of the ALK gene, results from a C to T substitution at nucleotide position 4568. The alanine at codon 1523 is replaced by valine, an amino acid with similar properties. This amino acid position is conserved. In addition, this alteration is predicted to be tolerated by in silico analysis. Based on the available evidence, the clinical significance of this variant remains unclear.

Baylor Genetics
Classification: Uncertain significance for Neuroblastoma, susceptibility to, 3. Last evaluated: 2024-01-26. Review status: criteria provided, single submitter. Criteria: ACMG Guidelines, 2015. Collection method: clinical testing. Allele origin: unknown.

Labcorp Genetics (formerly Invitae), Labcorp
Classification: Uncertain significance for Neuroblastoma, susceptibility to, 3. Last evaluated: 2023-02-21. Review status: criteria provided, single submitter. Criteria: Invitae Variant Classification Sherloc (09022015). Collection method: clinical testing. Allele origin: germline.
Comment: In summary, the available evidence is currently insufficient to determine the role of this variant in disease. Therefore, it has been classified as a Variant of Uncertain Significance. An algorithm developed to predict the effect of missense changes on protein structure and function (PolyPhen-2) suggests that this variant is likely to be tolerated. This variant has not been reported in the literature in individuals affected with ALK-related conditions. This variant is not present in population databases (gnomAD no frequency). This sequence change replaces alanine, which is neutral and non-polar, with valine, which is neutral and non-polar, at codon 1523 of the ALK protein (p.Ala1523Val).